The following is an entry in ClinVar:

NM_001166108.2(PALLD):c.679C>A (p.Gln227Lys)

Gene: PALLD (palladin, cytoskeletal associated protein; plus strand). Cytogenetic location: 4q32.3.
Variant type: single nucleotide variant.
Coding change: c.679C>A on transcript NM_001166108.2 (MANE Select); coding-DNA position 679, C replaced by A.
Protein change: p.Gln227Lys; replaces glutamine 227 with lysine.
Molecular consequence: missense variant.
Genome position (GRCh38, 1-based): chr4:168,512,183, C>A. VCF-style: chr4-168512183-C-A. GRCh37 (hg19) VCF-style: chr4-169433334-C-A.
Other names: c.679C>A, p.Gln227Lys (NM_016081.4); short protein forms Q227K.
Identifiers: ClinVar variation 1755482 (VCV001755482.2), dbSNP rs2531435394, ClinGen allele CA358727880.
Genomic context (GRCh38, chr4:168,512,183, plus strand): 5'-CCTAAAAATCAGCCGTCAGCCCTGCTGAGTGCCTCAGCCAGCCAGAGCCCTATGGAAGAC[C>A]AAGGGGAGATGGAAAGAGAGGTCAAGTCCCCTGGGGCCAGGCATTGCTACCAGGACAACC-3'
Protein context (NP_001159580.1, residues 217-237): ASASQSPMED[Gln227Lys]GEMEREVKSP

ClinVar aggregate classification (germline): Uncertain significance (1 of 4 stars; one submission).

gnomAD v4.1: 1 of 1,613,806 alleles (0.000062%); highest among the groups gnomAD compares: Non-Finnish European, 0.000085%; no homozygotes.

Submission:

Ambry Genetics
Classification: Uncertain significance. Last evaluated: 2022-05-24. Review status: criteria provided, single submitter. Criteria: Ambry Variant Classification Scheme 2023. Collection method: clinical testing. Allele origin: germline.
Comment: The p.Q227K variant (also known as c.679C>A), located in coding exon 1 of the PALLD gene, results from a C to A substitution at nucleotide position 679. The glutamine at codon 227 is replaced by lysine, an amino acid with similar properties. This amino acid position is conserved. In addition, this alteration is predicted to be tolerated by in silico analysis. Since supporting evidence is limited at this time, the clinical significance of this alteration remains unclear.